The following is an entry in ClinVar:

NM_000553.6(WRN):c.654+3A>G

Gene: WRN (WRN RecQ like helicase; plus strand). Cytogenetic location: 8p12.
Variant type: single nucleotide variant.
Coding change: c.654+3A>G on transcript NM_000553.6 (MANE Select); 3 bases into the intron after coding-DNA position 654, A replaced by G.
Molecular consequence: intron variant.
Genome position (GRCh38, 1-based): chr8:31,067,185, A>G. VCF-style: chr8-31067185-A-G. GRCh37 (hg19) VCF-style: chr8-30924701-A-G.
Identifiers: ClinVar variation 641356 (VCV000641356.8), dbSNP rs907937476, ClinGen allele CA174844881.
Genomic context (GRCh38, chr8:31,067,185, plus strand): 5'-TTGGAGTAAATTTCCTCTCACTGAGGACCAGAAACTGTATGCAGCCACTGATGCTTATGT[A>G]CGTGCTTAAAGATCTTTAGAAATTGTGATGTGTTTTAAAAACATTATTATAAATGACTTT-3'

ClinVar aggregate classification (germline): Uncertain significance. Review status: criteria provided, multiple submitters, no conflicts (2 of 4 stars). 2 submissions from 2 submitters: Uncertain significance (2). Last evaluated 2024-05-06.

Conditions:
Werner syndrome (WRN). Identifiers: Orphanet 902, MedGen C0043119, MONDO:0010196, OMIM 277700.

Allele frequency attached by ClinVar (database versions not stated): gnomAD exomes below 0.00001; gnomAD 0.00001; TOPMed 0.00002.
gnomAD v4.1: 3 of 1,613,322 alleles (0.00019%); highest among the groups gnomAD compares: Non-Finnish European, 0.00025%; no homozygotes.

Submissions (2):

Women's Health and Genetics/Laboratory Corporation of America, LabCorp
Classification: Uncertain significance. Last evaluated: 2024-05-06. Review status: criteria provided, single submitter. Criteria: LabCorp Variant Classification Summary - May 2015. Collection method: clinical testing. Allele origin: germline.

Labcorp Genetics (formerly Invitae), Labcorp
Classification: Uncertain significance for Werner syndrome. Last evaluated: 2024-04-05. Review status: criteria provided, single submitter. Criteria: Invitae Variant Classification Sherloc (09022015). Collection method: clinical testing. Allele origin: germline.
Comment: This sequence change falls in intron 6 of the WRN gene. It does not directly change the encoded amino acid sequence of the WRN protein. RNA analysis indicates that this variant induces altered splicing and likely results in a shortened protein product. The frequency data for this variant in the population databases is considered unreliable, as metrics indicate poor data quality at this position in the gnomAD database. This variant has not been reported in the literature in individuals affected with WRN-related conditions. ClinVar contains an entry for this variant (Variation ID: 641356). Variants that disrupt the consensus splice site are a relatively common cause of aberrant splicing (PMID: 17576681, 9536098). Studies have shown that this variant results in skipping of exon 6, but is expected to preserve the integrity of the reading-frame (Invitae). In summary, the available evidence is currently insufficient to determine the role of this variant in disease. Therefore, it has been classified as a Variant of Uncertain Significance.

Literature cited by the submitters: PubMed 17576681 (cited by Labcorp Genetics (formerly Invitae), Labcorp); PubMed 9536098 (cited by Labcorp Genetics (formerly Invitae), Labcorp).